The following is an entry in ClinVar:

NM_130384.3(ATRIP):c.2339A>G (p.Glu780Gly)

Genes: ATRIP (ATR interacting protein; plus strand), ATRIP-TREX1 (ATRIP-TREX1 readthrough; plus strand), LOC129936704 (ATAC-STARR-seq lymphoblastoid active region 19829; plus strand). Cytogenetic location: 3p21.31.
Variant type: single nucleotide variant.
Coding change: c.2339A>G on transcript NM_130384.3 (MANE Select); coding-DNA position 2339, A replaced by G.
Protein change: p.Glu780Gly; replaces glutamic acid 780 with glycine.
Molecular consequence: missense variant. On other transcripts: non-coding transcript variant (1).
Genome position (GRCh38, 1-based): chr3:48,465,517, A>G. VCF-style: chr3-48465517-A-G. GRCh37 (hg19) VCF-style: chr3-48506916-A-G.
Other names: c.1958A>G, p.Glu653Gly (NM_001271022.2); c.2060A>G, p.Glu687Gly (NM_001271023.2); c.2258A>G, p.Glu753Gly (NM_032166.4); short protein forms E687G, E753G, E653G, E780G.
Identifiers: ClinVar variation 3464573 (VCV003464573.2).

ClinVar aggregate classification (germline): Uncertain significance (1 of 4 stars; one submission).

gnomAD v4.1: 20 of 1,613,876 alleles (0.0012%); highest among the groups gnomAD compares: African/African-American, 0.025%; no homozygotes.

Submission:

Ambry Genetics
Classification: Uncertain significance. Last evaluated: 2025-12-08. Review status: criteria provided, single submitter. Criteria: Ambry Variant Classification Scheme 2023. Collection method: clinical testing. Allele origin: germline.
Comment: The c.2339A>G (p.E780G) alteration is located in exon 13 (coding exon 13) of the ATRIP gene. This alteration results from a A to G substitution at nucleotide position 2339, causing the glutamic acid (E) at amino acid position 780 to be replaced by a glycine (G). Based on data from gnomAD, the G allele has an overall frequency of 0.003% (8/282744) total alleles studied. The highest observed frequency was 0.032% (8/24962) of African alleles. Based on insufficient or conflicting evidence, the clinical significance of this alteration remains unclear.